The following is an entry in ClinVar:

ClinVar aggregate classification (germline): Pathogenic (0 of 4 stars; one submission).

Conditions:
Steinert myotonic dystrophy syndrome (DM1). Also called: STEINERT DISEASE; Myotonic dystrophy type 1; Dystrophia myotonica type 1; Steinert myotonic dystrophy; Steinert's disease. Identifiers: Orphanet 273, MedGen C3250443, MONDO:0008056, OMIM 160900.

Submission:

Institute of Molecular, Cell and Systems Biology, University of Glasgow
Classification: Pathogenic for Steinert myotonic dystrophy syndrome. Review status: no assertion criteria provided. Criteria: research. Collection method: research. Allele origin: germline. Inheritance: Autosomal dominant inheritance. Affected: yes. Observed: 1 heterozygote.
Comment: DMPK CTG repeat expansions greater than approximately 45-50 repeats are assumed to be pathogenic

This record is based on data published in PubMed 25052313, which reports only ClinVar accessions SCV000120188 and SCV000120189. The complete data set includes SCV000207445 - SCV000207579.

Literature cited by the submitters: PubMed 1346923; PubMed 1546326; PubMed 25052313.

NM_004409.5(DMPK):c.*224CTG[313]

Genes: DM1-AS (DM1 locus antisense RNA; plus strand), DMPK (DM1 protein kinase; minus strand), LOC107075317 (origin of replication in DMPK trinucleotide repeat region; plus strand), LOC109461477 (dystrophia myotonica protein kinase repeat instability region; plus strand). Cytogenetic location: 19q13.32.
Variant type: Microsatellite.
Coding change: c.*224CTG[313] on transcript NM_004409.5 (MANE Select); 313 copies in a row of the 3-base unit CTG starting at c.*224.
Molecular consequence: 3 prime UTR variant.
Genome position: GRCh38, VCF-style position (the base before the change): chr19:45,770,204. GRCh37 (hg19), VCF-style position (the base before the change): chr19:46,273,462.
Other names: DM1 CTG repeat expansion; c.*224CTG[313] (NM_001081560.3, NM_001288764.2, NM_001424165.1 and 1 more transcripts); c.*217CTG[313] (NM_001081562.3, NM_001288765.2, NM_001424162.1 and 2 more transcripts); c.*222_*224TGC[313] (NM_001081563.3); c.*369CTG[313] (NM_001288766.2, NM_001424164.1, NM_001424168.1).
Identifiers: ClinVar variation 187956 (VCV000187956.2), ClinGen allele CA915951759.